The following is an entry in ClinVar:

NM_000229.2(LCAT):c.107C>T (p.Thr36Ile)

Genes: LCAT (lecithin-cholesterol acyltransferase; minus strand), SLC12A4 (solute carrier family 12 member 4; minus strand). Cytogenetic location: 16q22.1.
Variant type: single nucleotide variant.
Coding change: c.107C>T on transcript NM_000229.2 (MANE Select); coding-DNA position 107, C replaced by T.
Protein change: p.Thr36Ile; replaces threonine 36 with isoleucine.
Molecular consequence: missense variant. On other transcripts: 3 prime UTR variant (5).
Genome position (GRCh38, 1-based): chr16:67,943,995, G>A on the plus strand (C>T on the coding strand, the complement: LCAT is on the minus strand). VCF-style: chr16-67943995-G-A. GRCh37 (hg19) VCF-style: chr16-67977898-G-A.
Other names: c.*845C>T (NM_001145961.2, NM_001145962.1, NM_001145963.2 and 2 more transcripts); short protein forms T36I.
Identifiers: ClinVar variation 1933383 (VCV001933383.6), dbSNP rs1371480236, ClinGen allele CA396382684.

ClinVar aggregate classification (germline): Uncertain significance. Review status: criteria provided, multiple submitters, no conflicts (2 of 4 stars). 2 submissions from 2 submitters: Uncertain significance (2). Last evaluated 2024-03-07.

Conditions:
Norum disease. Also called: Familial lecithin cholesterol acyltransferase deficiency. Identifiers: Orphanet 79293, MedGen C0023195, MONDO:0009515, OMIM 245900.
Fish-eye disease (FED). Also called: DYSLIPOPROTEINEMIC CORNEAL DYSTROPHY; LCATA DEFICIENCY; ALPHA-LCAT DEFICIENCY. Identifiers: Orphanet 650, Orphanet 79292, MedGen C0342895, MONDO:0007620, OMIM 136120.

Allele frequency attached by ClinVar (database versions not stated): gnomAD 0.00001; gnomAD exomes 0.00002.
gnomAD v4.1: 23 of 1,548,550 alleles (0.0015%); highest among the groups gnomAD compares: Non-Finnish European, 0.002%; no homozygotes.

Submissions (2):

Fulgent Genetics
Classification: Uncertain significance for Fish-eye disease; Norum disease. Last evaluated: 2024-03-07. Review status: criteria provided, single submitter. Criteria: ACMG Guidelines, 2015. Collection method: clinical testing. Allele origin: germline.

Labcorp Genetics (formerly Invitae), Labcorp
Classification: Uncertain significance. Last evaluated: 2022-04-21. Review status: criteria provided, single submitter. Criteria: Invitae Variant Classification Sherloc (09022015). Collection method: clinical testing. Allele origin: germline.
Comment: In summary, the available evidence is currently insufficient to determine the role of this variant in disease. Therefore, it has been classified as a Variant of Uncertain Significance. Algorithms developed to predict the effect of missense changes on protein structure and function (SIFT, PolyPhen-2, Align-GVGD) all suggest that this variant is likely to be tolerated. This missense change has been observed in individual(s) with clinical features of dyslipidemia (PMID: 32041611). This variant is present in population databases (no rsID available, gnomAD 0.002%). This sequence change replaces threonine, which is neutral and polar, with isoleucine, which is neutral and non-polar, at codon 36 of the LCAT protein (p.Thr36Ile).

Literature cited by the submitters: PubMed 32041611 (cited by Labcorp Genetics (formerly Invitae), Labcorp).